The following is an entry in ClinVar:

ClinVar aggregate classification (germline): Uncertain significance. Review status: criteria provided, multiple submitters, no conflicts (2 of 4 stars). 2 submissions from 2 submitters: Uncertain significance (2). Last evaluated 2025-12-10.

Conditions:
Cone-rod dystrophy 6 (CORD6). Also called: RETINAL CONE DYSTROPHY 2; Cone dystrophy progressive. Identifiers: Orphanet 1872, MedGen C1866293, MONDO:0011143, OMIM 601777.
Leber congenital amaurosis 1 (LCA1). Also called: RETINAL BLINDNESS, CONGENITAL; AMAUROSIS CONGENITA OF LEBER I; Congenital absence of the rods and cones; Leber's congenital tapetoretinal degeneration; Leber's congenital tapetoretinal dysplasia. Identifiers: Orphanet 65, MedGen C2931258, MONDO:0008764, OMIM 204000.

Allele frequency attached by ClinVar (database versions not stated): gnomAD 0.00003; TOPMed 0.00004; gnomAD exomes 0.00007; ExAC 0.00010.
gnomAD v4.1: 55 of 1,613,232 alleles (0.0034%); highest among the groups gnomAD compares: Non-Finnish European, 0.0036%; no homozygotes.

Submissions (2):

Labcorp Genetics (formerly Invitae), Labcorp
Classification: Uncertain significance for Leber congenital amaurosis 1; Cone-rod dystrophy 6. Last evaluated: 2025-12-10. Review status: criteria provided, single submitter. Criteria: Invitae Variant Classification Sherloc (09022015). Collection method: clinical testing. Allele origin: germline.
Comment: This sequence change replaces valine, which is neutral and non-polar, with methionine, which is neutral and non-polar, at codon 507 of the GUCY2D protein (p.Val507Met). This variant is present in population databases (rs746002871, gnomAD 0.01%). This variant has not been reported in the literature in individuals affected with GUCY2D-related conditions. ClinVar contains an entry for this variant (Variation ID: 943510). Invitae Evidence Modeling of protein sequence and biophysical properties (such as structural, functional, and spatial information, amino acid conservation, physicochemical variation, residue mobility, and thermodynamic stability) indicates that this missense variant is not expected to disrupt GUCY2D protein function with a negative predictive value of 80%. In summary, the available evidence is currently insufficient to determine the role of this variant in disease. Therefore, it has been classified as a Variant of Uncertain Significance.

Blueprint Genetics
Classification: Uncertain significance. Last evaluated: 2022-08-23. Review status: criteria provided, single submitter. Criteria: ACMG Guidelines, 2015. Collection method: clinical testing. Allele origin: germline.

NM_000180.4(GUCY2D):c.1519G>A (p.Val507Met)

Gene: GUCY2D (guanylate cyclase 2D, retinal; plus strand). Cytogenetic location: 17p13.1.
Variant type: single nucleotide variant.
Coding change: c.1519G>A on transcript NM_000180.4 (MANE Select); coding-DNA position 1519, G replaced by A.
Protein change: p.Val507Met; replaces valine 507 with methionine.
Molecular consequence: missense variant.
Genome position (GRCh38, 1-based): chr17:8,007,481, G>A. VCF-style: chr17-8007481-G-A. GRCh37 (hg19) VCF-style: chr17-7910799-G-A.
Other names: short protein forms V507M.
Identifiers: ClinVar variation 943510 (VCV000943510.8), dbSNP rs746002871, ClinGen allele CA8365781.